The following is an entry in ClinVar:

NM_004525.3(LRP2):c.1934C>T (p.Pro645Leu)

Gene: LRP2 (LDL receptor related protein 2; minus strand). Cytogenetic location: 2q31.1.
Variant type: single nucleotide variant.
Coding change: c.1934C>T on transcript NM_004525.3 (MANE Select); coding-DNA position 1934, C replaced by T.
Protein change: p.Pro645Leu; replaces proline 645 with leucine.
Molecular consequence: missense variant.
Genome position (GRCh38, 1-based): chr2:169,275,077, G>A on the plus strand (C>T on the coding strand, the complement: LRP2 is on the minus strand). VCF-style: chr2-169275077-G-A. GRCh37 (hg19) VCF-style: chr2-170131587-G-A.
Other names: short protein forms P645L.
Identifiers: ClinVar variation 2506661 (VCV002506661.1), dbSNP rs1683516557, ClinGen allele CA349143146.

ClinVar aggregate classification (germline): Uncertain significance (1 of 4 stars; one submission).

Submission:

GeneDx
Classification: Uncertain significance. Last evaluated: 2022-12-20. Review status: criteria provided, single submitter. Criteria: GeneDx Variant Classification Process June 2021. Collection method: clinical testing. Allele origin: germline. Affected: yes.
Comment: Not observed at significant frequency in large population cohorts (gnomAD); In silico analysis supports that this missense variant has a deleterious effect on protein structure/function; Has not been previously published as pathogenic or benign to our knowledge